The following is an entry in ClinVar:

ClinVar aggregate classification (germline): Uncertain significance (1 of 4 stars; one submission).

Conditions:
Hereditary spastic paraplegia 6 (SPG6). Also called: SPASTIC PARAPLEGIA 6, AUTOSOMAL DOMINANT. Identifiers: Orphanet 100988, MedGen C1838192, MONDO:0010878, OMIM 600363.

Submission:

Labcorp Genetics (formerly Invitae), Labcorp
Classification: Uncertain significance for Hereditary spastic paraplegia 6. Last evaluated: 2026-01-12. Review status: criteria provided, single submitter. Criteria: Invitae Variant Classification Sherloc (09022015). Collection method: clinical testing. Allele origin: germline.
Comment: This variant, c.12_17del, results in the deletion of 2 amino acid(s) of the NIPA1 protein (p.Ala15_Ala16del), but otherwise preserves the integrity of the reading frame. The frequency data for this variant in the population databases is considered unreliable, as metrics indicate poor data quality at this position in the gnomAD database. This variant has not been reported in the literature in individuals affected with NIPA1-related conditions. This variant has been observed in at least one individual who was not affected with NIPA1-related conditions (internal data). ClinVar contains an entry for this variant (Variation ID: 639570). Experimental studies and prediction algorithms are not available or were not evaluated, and the functional significance of this variant is currently unknown. In summary, the available evidence is currently insufficient to determine the role of this variant in disease. Therefore, it has been classified as a Variant of Uncertain Significance.

NM_144599.5(NIPA1):c.12_17del (p.Ala15_Ala16del)

Genes: NIPA1 (NIPA magnesium transporter 1; plus strand), LOC130056709 (ATAC-STARR-seq lymphoblastoid silent region 6259; plus strand). Cytogenetic location: 15q11.2.
Variant type: Deletion.
Coding change: c.12_17del on transcript NM_144599.5 (MANE Select); coding-DNA positions 12 to 17, 6 bases deleted (AGCTGC; older notation c.12_17delAGCTGC).
Protein change: p.Ala15_Ala16del.
Molecular consequence: inframe deletion. On other transcripts: intron variant (1).
Genome position (GRCh38, 1-based): chr15:22,786,668-22,786,673, AGCTGC deleted; deleting any 6 consecutive bases within chr15:22,786,664-22,786,673 gives the same sequence; the c. name uses the placement nearest the transcript's 3' end. VCF-style (leftmost placement, unchanged base first): chr15-22786663-ACTGCAG-A. GRCh37 (hg19) VCF-style: chr15-23086394-CGCAGCT-C.
Other names: c.-48+420_-48+425del (NM_001142275.1).
Identifiers: ClinVar variation 639570 (VCV000639570.11), dbSNP rs1192699698, ClinGen allele CA617083340.